The following is an entry in ClinVar:

ClinVar aggregate classification (germline): Pathogenic (1 of 4 stars; one submission).

Submission:

Clinical Genomics Laboratory, Laboratory for Precision Diagnostics, University of Washington
Classification: Pathogenic. Last evaluated: 2016-05-03. Review status: criteria provided, single submitter. Criteria: Clinical Cytogenomics Laboratory Policy on CNV Interpretation. Collection method: clinical testing. Allele origin: maternal. Affected: yes. Observed: 1 variant allele.

Literature cited by the submitters: PubMed 16077733; PubMed 17940555; PubMed 26097203.

GRCh37/hg19 8p23.3-23.1(chr8:164984-11860845)x3

Genes: AGPAT5 (1-acylglycerol-3-phosphate O-acyltransferase 5; plus strand), ANGPT2 (angiopoietin 2; minus strand), ARHGEF10 (Rho guanine nucleotide exchange factor 10; plus strand), BLK (BLK proto-oncogene, Src family tyrosine kinase), C8orf74 (chromosome 8 open reading frame 74) and 61 more. Cytogenetic location: 8p23.3-23.1.
Variant type: copy number gain.
Change: copy number 3 (three copies instead of two) of chr8:164,984-11,860,845 (11.70 Mb, GRCh37 coordinates, 1-based), cytogenetic band 8p23.3-23.1.
Identifiers: ClinVar variation 252967 (VCV000252967.3).